The following is an entry in ClinVar:

ClinVar aggregate classification (germline): Uncertain significance. Review status: criteria provided, multiple submitters, no conflicts (2 of 4 stars). 3 submissions from 3 submitters: Uncertain significance (3). Last evaluated 2026-08-27.

Conditions:
Cardiovascular phenotype. Identifiers: MedGen CN230736.
Hereditary cancer-predisposing syndrome. Also called: Hereditary Cancer Syndrome; Hereditary neoplastic syndrome; Neoplastic Syndromes, Hereditary; Tumor predisposition. Identifiers: Orphanet 140162, MedGen C0027672, MeSH D009386, MONDO:0015356.
Monogenic short statue.

Allele frequency attached by ClinVar (database versions not stated): gnomAD exomes 0.00001.
gnomAD v4.1: 8 of 1,613,626 alleles (0.0005%); highest among the groups gnomAD compares: Non-Finnish European, 0.00068%; no homozygotes.

Submissions (3):

Ambry Genetics
Classification: Uncertain significance for Cardiovascular phenotype; Hereditary cancer-predisposing syndrome. Last evaluated: 2026-08-27. Review status: criteria provided, single submitter. Criteria: Ambry Variant Classification Scheme 2023. Collection method: clinical testing. Allele origin: germline.

NHS Central & South Genomic Laboratory Hub
Classification: Uncertain significance for Monogenic short statue. Last evaluated: 2026-04-22. Review status: criteria provided, single submitter. Criteria: ACMG Guidelines, 2015. Collection method: clinical testing. Allele origin: germline. Affected: yes.

Labcorp Genetics (formerly Invitae), Labcorp
Classification: Uncertain significance. Last evaluated: 2025-11-10. Review status: criteria provided, single submitter. Criteria: Invitae Variant Classification Sherloc (09022015). Collection method: clinical testing. Allele origin: germline.
Comment: This sequence change replaces leucine, which is neutral and non-polar, with valine, which is neutral and non-polar, at codon 809 of the LZTR1 protein (p.Leu809Val). This variant is not present in population databases (gnomAD no frequency). This variant has not been reported in the literature in individuals affected with LZTR1-related conditions. ClinVar contains an entry for this variant (Variation ID: 1791073). Invitae Evidence Modeling of protein sequence and biophysical properties (such as structural, functional, and spatial information, amino acid conservation, physicochemical variation, residue mobility, and thermodynamic stability) indicates that this missense variant is not expected to disrupt LZTR1 protein function with a negative predictive value of 80%. In summary, the available evidence is currently insufficient to determine the role of this variant in disease. Therefore, it has been classified as a Variant of Uncertain Significance.

NM_006767.4(LZTR1):c.2425C>G (p.Leu809Val)

Gene: LZTR1 (leucine zipper like post translational regulator 1; plus strand). Cytogenetic location: 22q11.21.
Variant type: single nucleotide variant.
Coding change: c.2425C>G on transcript NM_006767.4 (MANE Select); coding-DNA position 2425, C replaced by G.
Protein change: p.Leu809Val; replaces leucine 809 with valine.
Molecular consequence: missense variant.
Genome position (GRCh38, 1-based): chr22:20,997,250, C>G. VCF-style: chr22-20997250-C-G. GRCh37 (hg19) VCF-style: chr22-21351539-C-G.
Other names: short protein forms L809V.
Identifiers: ClinVar variation 1791073 (VCV001791073.6), dbSNP rs2518626653, ClinGen allele CA410781543.